The following is an entry in ClinVar:

ClinVar aggregate classification (germline): Uncertain significance (1 of 4 stars; one submission).

Conditions:
Neurofibromatosis, type 1 (NF1). Also called: NEUROFIBROMATOSIS, TYPE I, SOMATIC; VON RECKLINGHAUSEN DISEASE; Peripheral type neurofibromatosis; Neurofibromatosis, type I. Identifiers: Orphanet 636, MedGen C0027831, MONDO:0018975, OMIM 162200. Disease mechanism: loss of function.

gnomAD v4.1: 1 of 1,614,208 alleles (0.000062%); highest among the groups gnomAD compares: Non-Finnish European, 0.000085%; no homozygotes.

Submission:

Labcorp Genetics (formerly Invitae), Labcorp
Classification: Uncertain significance for Neurofibromatosis, type 1. Last evaluated: 2025-06-10. Review status: criteria provided, single submitter. Criteria: Invitae Variant Classification Sherloc (09022015). Collection method: clinical testing. Allele origin: germline.
Comment: This sequence change falls in intron 35 of the NF1 gene. It does not directly change the encoded amino acid sequence of the NF1 protein. This variant is not present in population databases (gnomAD no frequency). This variant has not been reported in the literature in individuals affected with NF1-related conditions. Studies have shown that this variant is associated with inconclusive levels of altered splicing (internal data). In summary, the available evidence is currently insufficient to determine the role of this variant in disease. Therefore, it has been classified as a Variant of Uncertain Significance.

NM_001042492.3(NF1):c.4836-21158T>G

Genes: EVI2B (ecotropic viral integration site 2B; minus strand), NF1 (neurofibromin 1; plus strand). Cytogenetic location: 17q11.2.
Variant type: single nucleotide variant.
Coding change: c.4836-21158T>G on transcript NM_001042492.3 (MANE Select); 21158 bases into the intron before coding-DNA position 4836, T replaced by G.
Molecular consequence: intron variant. On other transcripts: synonymous variant (1).
Genome position (GRCh38, 1-based): chr17:31,304,662, T>G. VCF-style: chr17-31304662-T-G. GRCh37 (hg19) VCF-style: chr17-29631680-T-G.
Other names: c.948A>C, p.Thr316= (NM_006495.4); c.4773-21158T>G (NM_000267.4).
Identifiers: ClinVar variation 4721158 (VCV004721158.1).